The following is an entry in ClinVar:

ClinVar aggregate classification (germline): Benign. Review status: criteria provided, multiple submitters, no conflicts (2 of 4 stars). 3 submissions from 3 submitters: Benign (3). Last evaluated 2026-02-04.

Conditions:
Primary ciliary dyskinesia. Also called: Ciliary dyskinesia. Identifiers: Orphanet 244, MedGen C0008780, MONDO:0016575, HP:0012265.

Allele frequency attached by ClinVar (database versions not stated): ESP Exome Variant Server 0.08757; gnomAD 0.10623 and 0.10953; TOPMed 0.11512; ExAC 0.12391; gnomAD exomes 0.12672; 1000 Genomes Project 30x 0.14132; 1000 Genomes Project 0.14297.
gnomAD v4.1: 146,572 of 1,552,822 alleles (9.4%); highest among the groups gnomAD compares: Admixed American, 23%; 8,431 homozygotes.

Submissions (3):

Labcorp Genetics (formerly Invitae), Labcorp
Classification: Benign for Primary ciliary dyskinesia. Last evaluated: 2026-02-04. Review status: criteria provided, single submitter. Criteria: Invitae Variant Classification Sherloc (09022015). Collection method: clinical testing. Allele origin: germline.

GeneDx
Classification: Benign. Last evaluated: 2021-05-12. Review status: criteria provided, single submitter. Criteria: GeneDx Variant Classification Process June 2021. Collection method: clinical testing. Allele origin: germline. Affected: yes.

Laboratory for Molecular Medicine, Mass General Brigham Personalized Medicine
Classification: Benign. Last evaluated: 2016-03-28. Review status: criteria provided, single submitter. Criteria: LMM Criteria. Collection method: clinical testing. Allele origin: germline.
Comment: Variant identified in a genome or exome case(s) and assessed due to predicted null impact of the variant or pathogenic assertions in the literature or databases. Disclaimer: This variant has not undergone full assessment. The following are preliminary notes: Frequency

NM_001206927.2(DNAH8):c.13215-15C>T

Gene: DNAH8 (dynein axonemal heavy chain 8; plus strand). Cytogenetic location: 6p21.2.
Variant type: single nucleotide variant.
Coding change: c.13215-15C>T on transcript NM_001206927.2 (MANE Select); 15 bases into the intron before coding-DNA position 13215, C replaced by T.
Molecular consequence: intron variant.
Genome position (GRCh38, 1-based): chr6:39,008,799, C>T. VCF-style: chr6-39008799-C-T. GRCh37 (hg19) VCF-style: chr6-38976575-C-T.
Other names: c.12564-15C>T (NM_001371.4).
Identifiers: ClinVar variation 402770 (VCV000402770.14), dbSNP rs12210777, ClinGen allele CA3791614.